The following is an entry in ClinVar:

ClinVar aggregate classification (germline): Likely benign (1 of 4 stars; one submission).

Submission:

CeGaT Center for Human Genetics Tuebingen
Classification: Likely benign. Last evaluated: 2026-02-01. Review status: criteria provided, single submitter. Criteria: CeGaT Center For Human Genetics Tuebingen Variant Classification Criteria Version 2. Collection method: clinical testing. Allele origin: germline. Affected: yes. Observed: 15 variant alleles.
Comment: SGCE: BS1

NM_003919.3(SGCE):c.463+698_463+699del

Genes: CASD1 (CAS1 domain sialic acid O acetyltransferase 1; plus strand), SGCE (sarcoglycan epsilon; minus strand). Cytogenetic location: 7q21.3.
Variant type: Microsatellite.
Coding change: c.463+698_463+699del on transcript NM_003919.3 (MANE Select); bases 698 to 699 of the intron after coding-DNA position 463, 2 bases deleted (GA; older notation c.463+698_463+699delGA).
Molecular consequence: intron variant.
Genome position (GRCh38, 1-based): chr7:94,622,626-94,622,627, TC deleted on the plus strand (GA on the coding strand, the reverse complement: SGCE is on the minus strand); deleting any 2 consecutive bases within chr7:94,622,626-94,622,629 gives the same sequence; the c. name uses the placement nearest the transcript's 3' end. VCF-style (leftmost placement, unchanged base first): chr7-94622625-ATC-A. GRCh37 (hg19) VCF-style: chr7-94251937-ATC-A.
Other names: c.340+698_340+699del (NM_001362809.2, NM_001301139.2); c.463+698_463+699del (NM_001346717.2, NM_001099400.2, NM_001099401.2); c.571+698_571+699del (NM_001346715.2, NM_001346713.2); c.376+698_376+699del (NM_001362807.2, NM_001346719.2); c.190+698_190+699del (NM_001362808.2, NM_001346720.2).
Identifiers: ClinVar variation 1695196 (VCV001695196.31), dbSNP rs780867069, ClinGen allele CA162937681.
Genomic context (GRCh38, chr7:94,622,625, plus strand): 5'-GTTGCAGTTAGCCGAGATGGTGCCATTGCACTCCAGCCTGGGTGACGAGAGCAAGACTCC[ATC>A]TCAAAAAAAAAAAAAAAGAAAATTAACTACAAAGTATTTGGTGATATTTTCCCAATTGAT-3'